The following is an entry in ClinVar:

NM_005477.3(HCN4):c.3064C>T (p.Arg1022Ter)

Gene: HCN4 (hyperpolarization activated cyclic nucleotide gated potassium channel 4; minus strand). Cytogenetic location: 15q24.1.
Variant type: single nucleotide variant.
Coding change: c.3064C>T on transcript NM_005477.3 (MANE Select); coding-DNA position 3064, C replaced by T.
Protein change: p.Arg1022Ter; replaces arginine 1022 with a stop codon.
Molecular consequence: nonsense.
Genome position (GRCh38, 1-based): chr15:73,323,029, G>A on the plus strand (C>T on the coding strand, the complement: HCN4 is on the minus strand). VCF-style: chr15-73323029-G-A. GRCh37 (hg19) VCF-style: chr15-73615370-G-A.
Other names: short protein forms R1022*.
Identifiers: ClinVar variation 470663 (VCV000470663.8), dbSNP rs762950777, ClinGen allele CA7648890.

ClinVar aggregate classification (germline): Uncertain significance. Review status: criteria provided, multiple submitters, no conflicts (2 of 4 stars). 4 submissions from 4 submitters: Uncertain significance (4). Last evaluated 2025-10-27.

Conditions:
HCN4-related disorder. Also called: HCN4-related condition.
Brugada syndrome 8 (BRGDA8). Identifiers: Orphanet 130, MedGen C2751083, MONDO:0013148, OMIM 613123.
Sick sinus syndrome 2, autosomal dominant (SSS2). Also called: ATRIAL FIBRILLATION WITH BRADYARRHYTHMIA; SINUS BRADYCARDIA SYNDROME, FAMILIAL, AUTOSOMAL DOMINANT; SINUS NODE DISEASE, FAMILIAL, AUTOSOMAL DOMINANT; SICK SINUS SYNDROME 2; SICK SINUS SYNDROME 2 WITH OR WITHOUT CARDIAC NONCOMPACTION AND/OR ASCENDING AORTA DILATION. Identifiers: Orphanet 166282, MedGen C1834144, MONDO:0008102, OMIM 163800.
Epilepsy, idiopathic generalized, susceptibility to, 18. Identifiers: MedGen C5561983, MONDO:0030434, OMIM 619521.

Allele frequency attached by ClinVar (database versions not stated): TOPMed below 0.00001; gnomAD 0.00001; gnomAD exomes 0.00001 and 0.00003; ExAC 0.00006.
gnomAD v4.1: 16 of 1,494,114 alleles (0.0011%); highest among the groups gnomAD compares: African/African-American, 0.0014%; no homozygotes.

Submissions (4):

Labcorp Genetics (formerly Invitae), Labcorp
Classification: Uncertain significance for Brugada syndrome 8. Last evaluated: 2025-10-27. Review status: criteria provided, single submitter. Criteria: Invitae Variant Classification Sherloc (09022015). Collection method: clinical testing. Allele origin: germline.
Comment: This sequence change creates a premature translational stop signal (p.Arg1022*) in the HCN4 gene. While this is not anticipated to result in nonsense mediated decay, it is expected to disrupt the last 182 amino acid(s) of the HCN4 protein. The frequency data for this variant in the population databases is considered unreliable, as metrics indicate poor data quality at this position in the gnomAD database. This variant has not been reported in the literature in individuals affected with HCN4-related conditions. ClinVar contains an entry for this variant (Variation ID: 470663). In summary, the available evidence is currently insufficient to determine the role of this variant in disease. Therefore, it has been classified as a Variant of Uncertain Significance.

PreventionGenetics, part of Exact Sciences
Classification: Uncertain significance for HCN4-related condition. Last evaluated: 2023-09-03. Review status: criteria provided, single submitter. Criteria: ACMG Guidelines, 2015. Collection method: clinical testing. Allele origin: germline.
Comment: The HCN4 c.3064C>T variant is predicted to result in premature protein termination (p.Arg1022*). To our knowledge, this variant has not been reported in the literature. This variant is reported in 0.0056% of alleles in individuals of African descent in gnomAD. Loss of function has not been conclusively established as a mechanism for HCN4-related disorders. At this time, the clinical significance of this variant is uncertain due to the absence of conclusive functional and genetic evidence.

Fulgent Genetics
Classification: Uncertain significance for Sick sinus syndrome 2, autosomal dominant; Brugada syndrome 8; Epilepsy, idiopathic generalized, susceptibility to, 18. Last evaluated: 2022-04-25. Review status: criteria provided, single submitter. Criteria: ACMG Guidelines, 2015. Collection method: clinical testing. Allele origin: unknown.

AiLife Diagnostics
Classification: Uncertain significance. Last evaluated: 2022-03-07. Review status: criteria provided, single submitter. Criteria: ACMG Guidelines, 2015. Collection method: clinical testing. Allele origin: germline. Affected: yes. Observed: 1 variant allele.